The following is an entry in ClinVar:

ClinVar aggregate classification (germline): Conflicting classifications of pathogenicity. Review status: criteria provided, conflicting classifications (1 of 4 stars). 6 submissions from 6 submitters: Pathogenic (1); Likely pathogenic (2); Uncertain significance (2). 1 of the submissions does not count toward it. Last evaluated 2025-08-21.

Conditions:
TPP1-related disorder. Also called: TPP1-related condition.
Neuronal ceroid lipofuscinosis 2. Also called: JANSKY-BIELSCHOWSKY DISEASE NEURONAL CEROID LIPOFUSCINOSIS, LATE INFANTILE; TPP1-Related Neuronal Ceroid-Lipofuscinosis. Identifiers: Orphanet 168491, Orphanet 228349, Orphanet 79264, MedGen C1876161, MONDO:0008769, OMIM 204500.
Neuronal ceroid lipofuscinosis. Also called: Neuronal Ceroid Lipofuscinoses. Identifiers: Orphanet 216, Orphanet 79263, MedGen C0027877, MONDO:0016295. Disease mechanism: loss of function.

Allele frequency attached by ClinVar (database versions not stated): gnomAD exomes below 0.00001; TOPMed below 0.00001; gnomAD 0.00001.

Submissions (6):

Natera, Inc.
Classification: Likely pathogenic for Neuronal ceroid lipofuscinosis 2. Last evaluated: 2025-08-21. Review status: criteria provided, single submitter. Criteria: Natera Variant Classification Schema (03/2026). Collection method: clinical testing. Allele origin: germline.
Comment: The c.1222_1224delAGT variant in TPP1 is an in-frame deletion predicted to remove serine at amino acid 408 while preserving the reading frame. This variant is rare in the general population with a frequency below the threshold expected for the associated phenotype(s). This variant has been observed in one or more individuals affected with the associated recessive disease, as either homozygous or compound heterozygous with a second variant (PMID: 22832778). This variant results in a change to the protein length while preserving reading frame, which may disrupt normal protein structure or function. Computational prediction algorithms indicate this variant is likely to affect gene or protein function. Given the available evidence, this variant is classified as Likely Pathogenic.

Labcorp Genetics (formerly Invitae), Labcorp
Classification: Pathogenic. Last evaluated: 2025-01-06. Review status: criteria provided, single submitter. Criteria: Invitae Variant Classification Sherloc (09022015). Collection method: clinical testing. Allele origin: germline.
Comment: This variant, c.1222_1224del, results in the deletion of 1 amino acid(s) of the TPP1 protein (p.Ser408del), but otherwise preserves the integrity of the reading frame. This variant is present in population databases (no rsID available, gnomAD 0.006%). This variant has been observed in individual(s) with neuronal ceroid lipofuscinosis (PMID: 31216804; internal data). In at least one individual the data is consistent with being in trans (on the opposite chromosome) from a pathogenic variant. It has also been observed to segregate with disease in related individuals. ClinVar contains an entry for this variant (Variation ID: 846307). Experimental studies and prediction algorithms are not available or were not evaluated, and the functional significance of this variant is currently unknown. For these reasons, this variant has been classified as Pathogenic.

Women's Health and Genetics/Laboratory Corporation of America, LabCorp
Classification: Likely pathogenic for Neuronal ceroid lipofuscinosis. Last evaluated: 2024-10-03. Review status: criteria provided, single submitter. Criteria: LabCorp Variant Classification Summary - May 2015. Collection method: clinical testing. Allele origin: germline.
Comment: Variant summary: TPP1 c.1222_1224delAGT (p.Ser408del) results in an in-frame deletion that is predicted to remove one amino acid from the encoded protein. The variant allele was found at a frequency of 4e-06 in 251460 control chromosomes (gnomAD). c.1222_1224delAGT has been reported in the literature in compound heterozygous and homozygous individuals affected with Neuronal Ceroid-Lipofuscinosis (Batten Disease) or progressive myoclonic epilepsy (Prez-Poyato_2012, Zhang_2019, Ganapathy_2019, Niu_2022). These data indicate that the variant is likely to be associated with disease. To our knowledge, no experimental evidence demonstrating an impact on protein function has been reported. The following publications have been ascertained in the context of this evaluation (PMID: 31069529, 36034301, 22832778, 31216804). ClinVar contains an entry for this variant (Variation ID: 846307). Based on the evidence outlined above, the variant was classified as likely pathogenic.

3billion
Classification: Uncertain significance for TPP1-related disorder. Last evaluated: 2024-06-28. Review status: criteria provided, single submitter. Criteria: ACMG Guidelines, 2015. Collection method: clinical testing. Allele origin: germline. Affected: yes.
Comment: The variant is observed at an extremely low frequency in the gnomAD v4.0.0 dataset (total allele frequency: <0.001%). Predicted Consequence/Location: Inframe deletion located in a nonrepeat region: predicted to change the length of the protein and disrupt normal protein function. The variant has been reported to be associated with TPP1-related disorder (ClinVar ID: VCV000846307 /PMID: 31216804). However, the evidence of pathogenicity is insufficient at this time. Therefore, this variant is classified as VUS according to the recommendation of ACMG/AMP guideline.

Revvity Omics, Revvity
Classification: Uncertain significance. Last evaluated: 2024-03-14. Review status: criteria provided, single submitter. Criteria: ACMG Guidelines, 2015. Collection method: clinical testing. Allele origin: germline.

Department of Reproductive Genetics, International Peace Maternity and Child Health Hospital, Shanghai Jiao Tong University School of Medicine
Classification: Likely pathogenic for Ceroid lipofuscinosis, neuronal, 2. Last evaluated: 2025-05-01. Review status: no assertion criteria provided. Collection method: clinical testing. Allele origin: inherited. Affected: yes. Not counted in ClinVar's aggregate classification.
Comment: This variant causes a conservative inframe deletion change. The variant allele was found at a frequency of 0.00000124 in 1,614,062 control chromosomes in the GnomAD database, with no homozygous occurrence. This variant has been reported in the literature as a compound heterozygous state in multiple individuals affected with CLN2 (PMID:22832778;36034301).

Literature cited by the submitters: PubMed 22832778 (cited by 3 submitters); PubMed 31216804 (cited by 3 submitters); PubMed 31069529 (cited by Women's Health and Genetics/Laboratory Corporation of America, LabCorp); PubMed 36034301 (cited by Women's Health and Genetics/Laboratory Corporation of America, LabCorp and Department of Reproductive Genetics, International Peace Maternity and Child Health Hospital, Shanghai Jiao Tong University School of Medicine).

NM_000391.4(TPP1):c.1222_1224del (p.Ser408del)

Gene: TPP1 (tripeptidyl peptidase 1; minus strand). Cytogenetic location: 11p15.4.
Variant type: Deletion.
Coding change: c.1222_1224del on transcript NM_000391.4 (MANE Select); coding-DNA positions 1222 to 1224, 3 bases deleted (AGT; older notation c.1222_1224delAGT).
Protein change: p.Ser408del; deletes serine 408.
Molecular consequence: inframe deletion.
Genome position (GRCh38, 1-based): chr11:6,615,484-6,615,486, ACT deleted on the plus strand (AGT on the coding strand, the reverse complement: TPP1 is on the minus strand). VCF-style (leftmost placement, unchanged base first): chr11-6615483-CACT-C. GRCh37 (hg19) VCF-style: chr11-6636714-CACT-C.
Other names: c.1222_1224delAGT (NM_000391.3, NM_000391.4); short protein forms S408del.
Identifiers: ClinVar variation 846307 (VCV000846307.13), dbSNP rs1474804613, ClinGen allele CA597439890.